The following is an entry in ClinVar:

ClinVar aggregate classification (germline): Pathogenic (1 of 4 stars; one submission).

Conditions:
Neurofibromatosis, type 1 (NF1). Also called: Neurofibromatosis, type I; VON RECKLINGHAUSEN DISEASE; NEUROFIBROMATOSIS, TYPE I, SOMATIC; Peripheral type neurofibromatosis. Identifiers: Orphanet 636, MedGen C0027831, MONDO:0018975, OMIM 162200. Disease mechanism: loss of function.

Submission:

Labcorp Genetics (formerly Invitae), Labcorp
Classification: Pathogenic for Neurofibromatosis, type 1. Last evaluated: 2021-06-22. Review status: criteria provided, single submitter. Criteria: Invitae Variant Classification Sherloc (09022015). Collection method: clinical testing. Allele origin: germline.
Comment: For these reasons, this variant has been classified as Pathogenic. Retrotransposon insertions including LINE1 (L1), Alu, and SVA (SINE-VNTR-Alu) have been reported to be disease-causing through disruption of either a coding region or splice site (PMID: 19763152, 20307669, 22406018) and loss-of-function variants in NF1 are known to be pathogenic (PMID: 10712197, 23913538). Algorithms developed to predict the effect of sequence changes on RNA splicing suggest that this variant may create or strengthen a splice site, but this prediction has not been confirmed by published transcriptional studies. This variant has not been reported in the literature in individuals with NF1-related conditions. This variant is not present in population databases (ExAC no frequency). This sequence change inserts a large fragment of DNA, likely a transposable element, in exon 21 of the NF1 gene (c.2812_2813ins?), causing a frameshift at codon 938 (p.Lys938fs). The exact size and sequence of the insertion cannot be determined by the current assay. However, the insertion is expected to result in an absent or disrupted protein product.

Literature cited by the submitters: PubMed 19763152; PubMed 20307669; PubMed 22406018; PubMed 10712197; PubMed 23913538.

NM_001042492.3(NF1):c.2812_2813insGGGCCGGGCGCGGTGGCTCACGCCTGTAATCCCAGCACCTAGGGAGGCAGAGGCAGGAGCATCTAGAGAACACGAGAACCAGACCATCATANNNNNNNNNNAAAAAAAAAAAAAAAAAAAAAACAAATTGA (p.Lys938delinsArgAlaGlyArgGlyGlySerArgLeuTer)

Gene: NF1 (neurofibromin 1; plus strand). Cytogenetic location: 17q11.2.
Variant type: Insertion.
Coding change: c.2812_2813insGGGCCGGGCGCGGTGGCTCACGCCTGTAATCCCAGCACCTAGGGAGGCAGAGGCAGGAGCATCTAGAGAACACGAGAACCAGACCATCATANNNNNNNNNNAAAAAAAAAAAAAAAAAAAAAACAAATTGA on transcript NM_001042492.3 (MANE Select); coding-DNA positions 2812 to 2813, GGGCCGGGCGCGGTGGCTCACGCCTGTAATCCCAGCACCTAGGGAGGCAGAGGCAGGAGCATCTAGAGAACACGAGAACCAGACCATCATANNNNNNNNNNAAAAAAAAAAAAAAAAAAAAAACAAATTGA inserted.
Protein change: p.Lys938delinsArgAlaGlyArgGlyGlySerArgLeuTer.
Molecular consequence: nonsense. On other transcripts: frameshift variant (1).
Genome position: GRCh38: chr17:31,229,427-31,229,428. GRCh37 (hg19): chr17:29,556,445-29,556,446.
Other names: c.2812_2813insGGGCCGGGCGCGGTGGCTCACGCCTGTAATCCCAGCACCTAGGGAGGCAGAGGCAGGAGCATCTAGAGAACACGAGAACCAGACCATCATANNNNNNNNNNAAAAAAAAAAAAAAAAAAAAAACAAATTGA, p.Lys938Argfs (NM_000267.4).
Identifiers: ClinVar variation 1454800 (VCV001454800.6), dbSNP rs2151429717.